The following is an entry in ClinVar:

ClinVar aggregate classification (germline): Uncertain significance (1 of 4 stars; one submission).

Allele frequency attached by ClinVar (database versions not stated): gnomAD exomes below 0.00001.
gnomAD v4.1: 7 of 1,614,200 alleles (0.00043%); highest among the groups gnomAD compares: Non-Finnish European, 0.00059%; no homozygotes.

Submission:

Labcorp Genetics (formerly Invitae), Labcorp
Classification: Uncertain significance. Last evaluated: 2022-07-30. Review status: criteria provided, single submitter. Criteria: Invitae Variant Classification Sherloc (09022015). Collection method: clinical testing. Allele origin: germline.
Comment: This sequence change replaces glycine, which is neutral and non-polar, with valine, which is neutral and non-polar, at codon 940 of the ADAMTS17 protein (p.Gly940Val). This variant is present in population databases (no rsID available, gnomAD 0.0009%). This variant has not been reported in the literature in individuals affected with ADAMTS17-related conditions. Algorithms developed to predict the effect of missense changes on protein structure and function are either unavailable or do not agree on the potential impact of this missense change (SIFT: "Not Available"; PolyPhen-2: "Probably Damaging"; Align-GVGD: "Not Available"). In summary, the available evidence is currently insufficient to determine the role of this variant in disease. Therefore, it has been classified as a Variant of Uncertain Significance.

NM_139057.4(ADAMTS17):c.2819G>T (p.Gly940Val)

Gene: ADAMTS17 (ADAM metallopeptidase with thrombospondin type 1 motif 17; minus strand). Cytogenetic location: 15q26.3.
Variant type: single nucleotide variant.
Coding change: c.2819G>T on transcript NM_139057.4 (MANE Select); coding-DNA position 2819, G replaced by T.
Protein change: p.Gly940Val; replaces glycine 940 with valine.
Molecular consequence: missense variant.
Genome position (GRCh38, 1-based): chr15:99,993,178, C>A on the plus strand (G>T on the coding strand, the complement: ADAMTS17 is on the minus strand). VCF-style: chr15-99993178-C-A. GRCh37 (hg19) VCF-style: chr15-100533383-C-A.
Other names: short protein forms G940V.
Identifiers: ClinVar variation 1714561 (VCV001714561.3), dbSNP rs1224003454, ClinGen allele CA393693598.